The following is an entry in ClinVar:

NM_004525.3(LRP2):c.6129C>A (p.Cys2043Ter)

Gene: LRP2 (LDL receptor related protein 2; minus strand). Cytogenetic location: 2q31.1.
Variant type: single nucleotide variant.
Coding change: c.6129C>A on transcript NM_004525.3 (MANE Select); coding-DNA position 6129, C replaced by A.
Protein change: p.Cys2043Ter; replaces cysteine 2043 with a stop codon.
Molecular consequence: nonsense.
Genome position (GRCh38, 1-based): chr2:169,212,119, G>T on the plus strand (C>A on the coding strand, the complement: LRP2 is on the minus strand). VCF-style: chr2-169212119-G-T. GRCh37 (hg19) VCF-style: chr2-170068629-G-T.
Other names: short protein forms C2043*.
Identifiers: ClinVar variation 2745929 (VCV002745929.3), dbSNP rs111909155, ClinGen allele CA349131966.

ClinVar aggregate classification (germline): Pathogenic (1 of 4 stars; one submission).

Submission:

Labcorp Genetics (formerly Invitae), Labcorp
Classification: Pathogenic. Last evaluated: 2023-07-22. Review status: criteria provided, single submitter. Criteria: Invitae Variant Classification Sherloc (09022015). Collection method: clinical testing. Allele origin: germline.
Comment: For these reasons, this variant has been classified as Pathogenic. This variant has not been reported in the literature in individuals affected with LRP2-related conditions. This variant is not present in population databases (gnomAD no frequency). This sequence change creates a premature translational stop signal (p.Cys2043*) in the LRP2 gene. It is expected to result in an absent or disrupted protein product. Loss-of-function variants in LRP2 are known to be pathogenic (PMID: 17632512, 25682901).

Literature cited by the submitters: PubMed 17632512; PubMed 25682901.